The following is an entry in ClinVar:

NM_000071.3(CBS):c.1632C>T (p.Ala544=)

Gene: CBS (cystathionine beta-synthase; minus strand). Cytogenetic location: 21q22.3.
Variant type: single nucleotide variant.
Coding change: c.1632C>T on transcript NM_000071.3 (MANE Select); coding-DNA position 1632, C replaced by T.
Protein change: p.Ala544=; no amino-acid change (alanine 544 retained).
Molecular consequence: synonymous variant.
Genome position (GRCh38, 1-based): chr21:43,053,904, G>A on the plus strand (C>T on the coding strand, the complement: CBS is on the minus strand). VCF-style: chr21-43053904-G-A. GRCh37 (hg19) VCF-style: chr21-44474014-G-A.
Other names: p.A544A:GCC>GCT; c.1632C>T, p.Ala544= (NM_001178008.3, NM_001178009.3, NM_001320298.2); c.1317C>T, p.Ala439= (NM_001321072.1).
Identifiers: ClinVar variation 212836 (VCV000212836.24), dbSNP rs566810122, ClinGen allele CA324760.

ClinVar aggregate classification (germline): Benign/Likely benign. Review status: criteria provided, multiple submitters, no conflicts (2 of 4 stars). 9 submissions from 9 submitters: Benign (2); Likely benign (7). Last evaluated 2026-06-01.

Conditions:
CBS-related disorder. Also called: CBS-related condition.
Familial thoracic aortic aneurysm and aortic dissection (TAAD). Also called: Thoracic aortic aneurysms and dissections. Identifiers: Orphanet 91387, MedGen C4707243, MONDO:0019625.
Classic homocystinuria. Also called: HOMOCYSTINURIA WITH OR WITHOUT RESPONSE TO PYRIDOXINE; Homocystinuria due to Cystathionine Beta-Synthase Deficiency; Homocystinuria due to CBS deficiency; Cystathionine beta-synthase deficiency; CBS deficiency. Identifiers: Orphanet 394, MedGen C0751202, MONDO:0009352, OMIM 236200.
HYPERHOMOCYSTEINEMIA, THROMBOTIC, CBS-RELATED. Identifiers: MedGen C3150344, OMIM 236200.

Allele frequency attached by ClinVar (database versions not stated): gnomAD 0.00010; gnomAD exomes 0.00035; ExAC 0.00037; 1000 Genomes Project 0.00080.

Submissions (9):

CeGaT Center for Human Genetics Tuebingen
Classification: Likely benign. Last evaluated: 2026-06-01. Review status: criteria provided, single submitter. Criteria: CeGaT Center For Human Genetics Tuebingen Variant Classification Criteria Version 2. Collection method: clinical testing. Allele origin: germline. Affected: yes. Observed: 1 variant allele.
Comment: CBS: PM2:Supporting, BP4, BP7

Labcorp Genetics (formerly Invitae), Labcorp
Classification: Benign for HYPERHOMOCYSTEINEMIA, THROMBOTIC, CBS-RELATED. Last evaluated: 2026-01-06. Review status: criteria provided, single submitter. Criteria: Invitae Variant Classification Sherloc (09022015). Collection method: clinical testing. Allele origin: germline.

PreventionGenetics, part of Exact Sciences
Classification: Likely benign for CBS-related condition. Last evaluated: 2024-12-30. Review status: criteria provided, single submitter. Criteria: ACMG Guidelines, 2015. Collection method: clinical testing. Allele origin: germline.
Comment: This variant is classified as likely benign based on ACMG/AMP sequence variant interpretation guidelines (Richards et al. 2015 PMID: 25741868, with internal and published modifications).

Blueprint Genetics
Classification: Likely benign. Last evaluated: 2024-08-30. Review status: criteria provided, single submitter. Criteria: ACMG Guidelines, 2015. Collection method: clinical testing. Allele origin: germline.

Women's Health and Genetics/Laboratory Corporation of America, LabCorp
Classification: Likely benign. Last evaluated: 2022-09-18. Review status: criteria provided, single submitter. Criteria: LabCorp Variant Classification Summary - May 2015. Collection method: clinical testing. Allele origin: germline.

Fulgent Genetics
Classification: Likely benign for Classic homocystinuria. Last evaluated: 2022-05-06. Review status: criteria provided, single submitter. Criteria: ACMG Guidelines, 2015. Collection method: clinical testing. Allele origin: unknown.

Ambry Genetics
Classification: Likely benign for Familial thoracic aortic aneurysm and aortic dissection. Last evaluated: 2017-11-03. Review status: criteria provided, single submitter. Criteria: Ambry Variant Classification Scheme 2023. Collection method: clinical testing. Allele origin: germline.

GeneDx
Classification: Benign. Last evaluated: 2014-12-24. Review status: criteria provided, single submitter. Criteria: GeneDx Variant Classification (06012015). Collection method: clinical testing. Allele origin: germline. Affected: yes.
Comment: This variant is considered likely benign or benign based on one or more of the following criteria: it is a conservative change, it occurs at a poorly conserved position in the protein, it is predicted to be benign by multiple in silico algorithms, and/or has population frequency not consistent with disease.

Breakthrough Genomics
Classification: Likely benign. Review status: criteria provided, single submitter. Criteria: ACMG Guidelines, 2015. Collection method: not provided. Allele origin: germline. Inheritance: Autosomal recessive inheritance. Affected: yes.